The following is an entry in ClinVar:

ClinVar aggregate classification (germline): Uncertain significance. Review status: criteria provided, multiple submitters, no conflicts (2 of 4 stars). 2 submissions from 2 submitters: Uncertain significance (2). Last evaluated 2021-08-14.

Conditions:
Hereditary cancer-predisposing syndrome. Also called: Hereditary Cancer Syndrome; Neoplastic Syndromes, Hereditary; Tumor predisposition; Hereditary neoplastic syndrome. Identifiers: Orphanet 140162, MedGen C0027672, MeSH D009386, MONDO:0015356.
Familial cancer of breast. Also called: Hereditary breast cancer; BREAST CANCER, FAMILIAL; hereditary breast carcinoma. Identifiers: Orphanet 227535, MedGen C0346153, MONDO:0016419, OMIM 114480. Disease mechanism: loss of function.

Submissions (2):

Labcorp Genetics (formerly Invitae), Labcorp
Classification: Uncertain significance for Familial cancer of breast. Last evaluated: 2021-08-14. Review status: criteria provided, single submitter. Criteria: Invitae Variant Classification Sherloc (09022015). Collection method: clinical testing. Allele origin: germline.
Comment: In summary, the available evidence is currently insufficient to determine the role of this variant in disease. Therefore, it has been classified as a Variant of Uncertain Significance. Algorithms developed to predict the effect of missense changes on protein structure and function (SIFT, PolyPhen-2, Align-GVGD) all suggest that this variant is likely to be disruptive. ClinVar contains an entry for this variant (Variation ID: 490963). This missense change has been observed in individual(s) with breast cancer (PMID: 31036035). This variant is not present in population databases (ExAC no frequency). This sequence change replaces asparagine with threonine at codon 98 of the BARD1 protein (p.Asn98Thr). The asparagine residue is highly conserved and there is a small physicochemical difference between asparagine and threonine.

Color Diagnostics, LLC DBA Color Health
Classification: Uncertain significance for Hereditary cancer-predisposing syndrome. Last evaluated: 2019-03-19. Review status: criteria provided, single submitter. Criteria: ACMG Guidelines, 2015. Collection method: clinical testing. Allele origin: germline.

Literature cited by the submitters: PubMed 31036035 (cited by Labcorp Genetics (formerly Invitae), Labcorp).

NM_000465.4(BARD1):c.293A>C (p.Asn98Thr)

Gene: BARD1 (BRCA1 associated RING domain 1; minus strand). Cytogenetic location: 2q35.
Variant type: single nucleotide variant.
Coding change: c.293A>C on transcript NM_000465.4 (MANE Select); coding-DNA position 293, A replaced by C.
Protein change: p.Asn98Thr; replaces asparagine 98 with threonine.
Molecular consequence: missense variant. On other transcripts: non-coding transcript variant (1), intron variant (2).
Genome position (GRCh38, 1-based): chr2:214,792,368, T>G on the plus strand (A>C on the coding strand, the complement: BARD1 is on the minus strand). VCF-style: chr2-214792368-T-G. GRCh37 (hg19) VCF-style: chr2-215657092-T-G.
Other names: c.236A>C, p.Asn79Thr (NM_001282543.2); c.293A>C, p.Asn98Thr (NM_001282549.2); c.158+17044A>C (NM_001282548.2); c.215+4693A>C (NM_001282545.2); short protein forms N98T, N79T.
Identifiers: ClinVar variation 490963 (VCV000490963.11), dbSNP rs763707275, ClinGen allele CA350461027.